The following is an entry in ClinVar:

ClinVar aggregate classification (germline): Pathogenic/Likely pathogenic. Review status: criteria provided, multiple submitters, no conflicts (2 of 4 stars). 5 submissions from 5 submitters: Pathogenic (2); Likely pathogenic (2). 1 of the submissions does not count toward it. Last evaluated 2024-03-20.

Conditions:
Cholestanol storage disease (CTX). Also called: Cerebrotendinous Xanthomatosis; CEREBRAL CHOLESTERINOSIS; CTX: Cerebrotendinous xanthomatosis. Identifiers: Orphanet 909, MedGen C0238052, MONDO:0008948, OMIM 213700.

Submissions (5):

Natera, Inc.
Classification: Pathogenic for Cerebrotendinous xanthomatosis. Last evaluated: 2024-03-20. Review status: criteria provided, single submitter. Criteria: Natera Variant Classification Schema (03/2026). Collection method: clinical testing. Allele origin: germline.
Comment: The c.373_379delCCAGTAC variant in CYP27A1 is a frameshift variant predicted to shift the reading frame beginning at codon 125 and leads to a stop codon 16 codons downstream. This variant is expected to result in nonsense mediated decay, truncation, or a dysfunctional protein product. This variant is rare in the general population with a frequency below the threshold expected for the associated phenotype(s). This variant has been observed in one or more individuals affected with the associated recessive disease, as either homozygous or compound heterozygous with a second variant (PMID: 22018287, 36380532, 31796091). Given the available evidence, this variant is classified as Pathogenic.

Fulgent Genetics
Classification: Likely pathogenic for Cholestanol storage disease. Last evaluated: 2024-02-26. Review status: criteria provided, single submitter. Criteria: ACMG Guidelines, 2015. Collection method: clinical testing. Allele origin: germline.

Labcorp Genetics (formerly Invitae), Labcorp
Classification: Pathogenic for Cholestanol storage disease. Last evaluated: 2024-02-02. Review status: criteria provided, single submitter. Criteria: Invitae Variant Classification Sherloc (09022015). Collection method: clinical testing. Allele origin: germline.
Comment: This sequence change creates a premature translational stop signal (p.Pro125Glyfs*16) in the CYP27A1 gene. It is expected to result in an absent or disrupted protein product. Loss-of-function variants in CYP27A1 are known to be pathogenic (PMID: 9392430, 10775536, 26937392). This variant is present in population databases (rs587778794, gnomAD 0.006%). This premature translational stop signal has been observed in individual(s) with cerebrotendinous xanthomatosis (PMID: 22018287). This variant is also known as c.369_375delGTACCCA. ClinVar contains an entry for this variant (Variation ID: 65864). For these reasons, this variant has been classified as Pathogenic.

Juno Genomics, Hangzhou Juno Genomics, Inc
Classification: Likely pathogenic for Cholestanol storage disease. Review status: criteria provided, single submitter. Criteria: ACMG Guidelines, 2015. Collection method: clinical testing. Allele origin: germline.
Comment: Null variant in a gene where loss of function (LOF) is a known mechanism of disease.;Absent from controls (or at extremely low frequency if recessive) in Genome Aggregation Database.

GeneReviews
Classification: Pathogenic for Cerebrotendinous Xanthomatosis. Last evaluated: 2013-08-01. Review status: no assertion criteria provided. Collection method: curation. Allele origin: unknown. Not counted in ClinVar's aggregate classification.
ClinVar note: Converted during submission from pathologic to Pathogenic.

Literature cited by the submitters: PubMed 22018287 (cited by Natera, Inc. and Labcorp Genetics (formerly Invitae), Labcorp); PubMed 36380532 (cited by Natera, Inc.); PubMed 31796091 (cited by Natera, Inc.); PubMed 9392430 (cited by Labcorp Genetics (formerly Invitae), Labcorp); PubMed 10775536 (cited by Labcorp Genetics (formerly Invitae), Labcorp); PubMed 26937392 (cited by Labcorp Genetics (formerly Invitae), Labcorp).

NM_000784.4(CYP27A1):c.373_379del (p.Pro125fs)

Gene: CYP27A1 (cytochrome P450 family 27 subfamily A member 1; plus strand). Cytogenetic location: 2q35.
Variant type: Deletion.
Coding change: c.373_379del on transcript NM_000784.4 (MANE Select); coding-DNA positions 373 to 379, 7 bases deleted (CCAGTAC; older notation c.373_379delCCAGTAC).
Protein change: p.Pro125fs; shifts the reading frame from proline 125.
Molecular consequence: frameshift variant.
Genome position (GRCh38, 1-based): chr2:218,809,694-218,809,700, CCAGTAC deleted; deleting any 7 consecutive bases within chr2:218,809,689-218,809,700 gives the same sequence; the c. name uses the placement nearest the transcript's 3' end. VCF-style (leftmost placement, unchanged base first): chr2-218809688-AAGTACCC-A. GRCh37 (hg19) VCF-style: chr2-219674411-AAGTACCC-A.
Other names: c.369_375delGTACCCA; c.373_379delCCAGTAC (NM_000784.3); short protein forms P125fs.
Identifiers: ClinVar variation 65864 (VCV000065864.9), dbSNP rs587778794, ClinGen allele CA345192.